The following is an entry in ClinVar:

NM_000059.4(BRCA2):c.9704C>T (p.Ala3235Val)

Gene: BRCA2 (BRCA2 DNA repair associated; plus strand). Cytogenetic location: 13q13.1.
Variant type: single nucleotide variant.
Coding change: c.9704C>T on transcript NM_000059.4 (MANE Select); coding-DNA position 9704, C replaced by T.
Protein change: p.Ala3235Val; replaces alanine 3235 with valine.
Molecular consequence: missense variant. On other transcripts: non-coding transcript variant (1).
Genome position (GRCh38, 1-based): chr13:32,398,217, C>T. VCF-style: chr13-32398217-C-T. GRCh37 (hg19) VCF-style: chr13-32972354-C-T.
Other names: c.9608C>T, p.Ala3203Val (NM_001406719.1); c.9653C>T, p.Ala3218Val (NM_001406720.1); c.4772C>T, p.Ala1591Val (NM_001406721.1); c.3287C>T, p.Ala1096Val (NM_001406722.1); short protein forms A1096V, A1591V, A3203V, A3218V, A3235V.
Identifiers: ClinVar variation 2693356 (VCV002693356.3), dbSNP rs2137663017, ClinGen allele CA387765402.
Genomic context (GRCh38, chr13:32,398,217, plus strand): 5'-ATCAGATGTCTTCTCCTAATTGTGAGATATATTATCAAAGTCCTTTATCACTTTGTATGG[C>T]CAAAAGGAAGTCTGTTTCCACACCTGTCTCAGCCCAGATGACTTCAAAGTCTTGTAAAGG-3'
Protein context (NP_000050.3, residues 3225-3245): YYQSPLSLCM[Ala3235Val]KRKSVSTPVS

ClinVar aggregate classification (germline): Uncertain significance (1 of 4 stars; one submission).

Conditions:
Hereditary breast ovarian cancer syndrome. Also called: Hereditary breast and ovarian cancer syndrome (HBOC); Breast and ovarian cancer; Hereditary breast and ovarian cancer; Hereditary breast and ovarian cancer syndrome; BRCA1- and BRCA2-Associated Hereditary Breast and Ovarian Cancer; Hereditary breast and/or ovarian cancer syndrome. Identifiers: Orphanet 145, MedGen C0677776, MeSH D061325, MONDO:0003582. Disease mechanism: loss of function.

Submission:

Labcorp Genetics (formerly Invitae), Labcorp
Classification: Uncertain significance for Hereditary breast ovarian cancer syndrome. Last evaluated: 2023-11-17. Review status: criteria provided, single submitter. Criteria: Invitae Variant Classification Sherloc (09022015). Collection method: clinical testing. Allele origin: germline.
Comment: This sequence change replaces alanine, which is neutral and non-polar, with valine, which is neutral and non-polar, at codon 3235 of the BRCA2 protein (p.Ala3235Val). This variant is not present in population databases (gnomAD no frequency). This variant has not been reported in the literature in individuals affected with BRCA2-related conditions. Advanced modeling of protein sequence and biophysical properties (such as structural, functional, and spatial information, amino acid conservation, physicochemical variation, residue mobility, and thermodynamic stability) performed at Invitae indicates that this missense variant is not expected to disrupt BRCA2 protein function with a negative predictive value of 95%. In summary, the available evidence is currently insufficient to determine the role of this variant in disease. Therefore, it has been classified as a Variant of Uncertain Significance.